The following is an entry in ClinVar:

ClinVar aggregate classification (germline): Conflicting classifications of pathogenicity. Review status: criteria provided, conflicting classifications (1 of 4 stars). 3 submissions from 3 submitters: Uncertain significance (2); Likely benign (1). Last evaluated 2025-08-10.

Conditions:
Inborn genetic diseases. Identifiers: MedGen C0950123, MeSH D030342.
Schuurs-Hoeijmakers syndrome. Also called: PACS1-Related Neurodevelopmental Disorder. Identifiers: Orphanet 329224, MedGen C3554343, MONDO:0014006, OMIM 615009.

Submissions (3):

Mayo Clinic Laboratories, Mayo Clinic
Classification: Uncertain significance. Last evaluated: 2025-08-10. Review status: criteria provided, single submitter. Criteria: ACMG Guidelines, 2015. Collection method: clinical testing. Allele origin: germline. Observed: 1 variant allele.
Comment: BP4_moderate, PP2, PM2_supporting

Ambry Genetics
Classification: Likely benign for Inborn genetic diseases. Last evaluated: 2025-05-20. Review status: criteria provided, single submitter. Criteria: Ambry Variant Classification Scheme 2023. Collection method: clinical testing. Allele origin: germline.

Labcorp Genetics (formerly Invitae), Labcorp
Classification: Uncertain significance for Schuurs-Hoeijmakers syndrome. Last evaluated: 2025-02-28. Review status: criteria provided, single submitter. Criteria: Invitae Variant Classification Sherloc (09022015). Collection method: clinical testing. Allele origin: germline.
Comment: This sequence change replaces glycine, which is neutral and non-polar, with arginine, which is basic and polar, at codon 767 of the PACS1 protein (p.Gly767Arg). This variant is not present in population databases (gnomAD no frequency). This variant has not been reported in the literature in individuals affected with PACS1-related conditions. ClinVar contains an entry for this variant (Variation ID: 1490704). Invitae Evidence Modeling of protein sequence and biophysical properties (such as structural, functional, and spatial information, amino acid conservation, physicochemical variation, residue mobility, and thermodynamic stability) indicates that this missense variant is not expected to disrupt PACS1 protein function with a negative predictive value of 80%. In summary, the available evidence is currently insufficient to determine the role of this variant in disease. Therefore, it has been classified as a Variant of Uncertain Significance.

NM_018026.4(PACS1):c.2299G>A (p.Gly767Arg)

Gene: PACS1 (phosphofurin acidic cluster sorting protein 1; plus strand). Cytogenetic location: 11q13.2.
Variant type: single nucleotide variant.
Coding change: c.2299G>A on transcript NM_018026.4 (MANE Select); coding-DNA position 2299, G replaced by A.
Protein change: p.Gly767Arg; replaces glycine 767 with arginine.
Molecular consequence: missense variant.
Genome position (GRCh38, 1-based): chr11:66,239,147, G>A. VCF-style: chr11-66239147-G-A. GRCh37 (hg19) VCF-style: chr11-66006618-G-A.
Other names: p.Gly767Arg; c.2299G>A (NM_018026.2); short protein forms G767R.
Identifiers: ClinVar variation 1490704 (VCV001490704.10), dbSNP rs2134748638, ClinGen allele CA381377931.